The following is an entry in ClinVar:

NM_001323289.2(CDKL5):c.2548A>G (p.Asn850Asp)

Gene: CDKL5 (cyclin dependent kinase like 5; plus strand). Cytogenetic location: Xp22.13.
Variant type: single nucleotide variant.
Coding change: c.2548A>G on transcript NM_001323289.2 (MANE Select); coding-DNA position 2548, A replaced by G.
Protein change: p.Asn850Asp; replaces asparagine 850 with aspartic acid.
Molecular consequence: missense variant.
Genome position (GRCh38, 1-based): chrX:18,628,422, A>G. VCF-style: chrX-18628422-A-G. GRCh37 (hg19) VCF-style: chrX-18646542-A-G.
Other names: c.2548A>G, p.Asn850Asp (NM_001037343.2, NM_003159.3); short protein forms N850D.
Identifiers: ClinVar variation 1999395 (VCV001999395.4), dbSNP rs2518898695, ClinGen allele CA412367152.

ClinVar aggregate classification (germline): Uncertain significance (1 of 4 stars; one submission).

Conditions:
Developmental and epileptic encephalopathy, 2 (DEE2). Also called: INFANTILE SPASM SYNDROME, X-LINKED 2; CDKL5 deficiency disorder. Identifiers: Orphanet 1934, Orphanet 3451, Orphanet 505652, MedGen C4750718, MONDO:0010396, OMIM 300672.
Angelman syndrome-like. Identifiers: MedGen CN128785.

Allele frequency attached by ClinVar (database versions not stated): gnomAD exomes 0.00001.
gnomAD v4.1: 5 of 1,211,559 alleles (0.00041%); highest among the groups gnomAD compares: Non-Finnish European, 0.00056%; no homozygotes.

Submission:

Labcorp Genetics (formerly Invitae), Labcorp
Classification: Uncertain significance for Developmental and epileptic encephalopathy, 2; Angelman syndrome-like. Last evaluated: 2022-06-03. Review status: criteria provided, single submitter. Criteria: Invitae Variant Classification Sherloc (09022015). Collection method: clinical testing. Allele origin: germline.
Comment: In summary, the available evidence is currently insufficient to determine the role of this variant in disease. Therefore, it has been classified as a Variant of Uncertain Significance. Advanced modeling of protein sequence and biophysical properties (such as structural, functional, and spatial information, amino acid conservation, physicochemical variation, residue mobility, and thermodynamic stability) performed at Invitae indicates that this missense variant is not expected to disrupt CDKL5 protein function. This variant has not been reported in the literature in individuals affected with CDKL5-related conditions. This variant is not present in population databases (gnomAD no frequency). This sequence change replaces asparagine, which is neutral and polar, with aspartic acid, which is acidic and polar, at codon 850 of the CDKL5 protein (p.Asn850Asp).